The following is an entry in ClinVar:

NM_001244008.2(KIF1A):c.1160G>C (p.Gly387Ala)

Gene: KIF1A (kinesin family member 1A; minus strand). Cytogenetic location: 2q37.3.
Variant type: single nucleotide variant.
Coding change: c.1160G>C on transcript NM_001244008.2 (MANE Select); coding-DNA position 1160, G replaced by C.
Protein change: p.Gly387Ala; replaces glycine 387 with alanine.
Molecular consequence: missense variant.
Genome position (GRCh38, 1-based): chr2:240,773,134, C>G on the plus strand (G>C on the coding strand, the complement: KIF1A is on the minus strand). VCF-style: chr2-240773134-C-G. GRCh37 (hg19) VCF-style: chr2-241712551-C-G.
Other names: c.1160G>C, p.Gly387Ala (NM_001320705.2, NM_001330289.2, NM_001330290.2 and 20 more transcripts); short protein forms G387A.
Identifiers: ClinVar variation 3896890 (VCV003896890.1).

ClinVar aggregate classification (germline): Uncertain significance (1 of 4 stars; one submission).

Submission:

Kariminejad - Najmabadi Pathology & Genetics Center
Classification: Uncertain significance. Last evaluated: 2020-09-13. Review status: criteria provided, single submitter. Criteria: ACMG Guidelines, 2015. Collection method: clinical testing. Allele origin: germline. Inheritance: Autosomal dominant inheritance. Affected: yes.
Comment: PM2, PP2, PP3